The following is an entry in ClinVar:

ClinVar aggregate classification (germline): Conflicting classifications of pathogenicity. Review status: criteria provided, conflicting classifications (1 of 4 stars). 2 submissions from 2 submitters: Uncertain significance (1); Likely benign (1). Last evaluated 2023-02-08.

Conditions:
TTN-related disorder. Also called: TTN-related disorders; TTN-related condition; TTN-related disease.
Cardiomyopathy (CMYO). Also called: Cardiomyopathies. Identifiers: Orphanet 167848, MedGen C0878544, MONDO:0004994, HP:0001638. Inheritance: Various modes of inheritance.

Allele frequency attached by ClinVar (database versions not stated): ExAC below 0.00001; gnomAD 0.00001; gnomAD exomes 0.00001 and 0.00003; TOPMed 0.00003.
gnomAD v4.1: 19 of 1,542,710 alleles (0.0012%); highest among the groups gnomAD compares: Non-Finnish European, 0.0015%; no homozygotes.

Submissions (2):

PreventionGenetics, part of Exact Sciences
Classification: Uncertain significance for TTN-related condition. Last evaluated: 2023-02-08. Review status: criteria provided, single submitter. Criteria: ACMG Guidelines, 2015. Collection method: clinical testing. Allele origin: germline.
Comment: The TTN c.11327T>C variant is predicted to result in the amino acid substitution p.Phe3776Ser. To our knowledge, this variant has not been reported in the literature. This variant is reported in 0.0066% of alleles in individuals of European (Non-Finnish) descent in gnomAD. At this time, the clinical significance of this variant is uncertain due to the absence of conclusive functional and genetic evidence.

CHEO Genetics Diagnostic Laboratory, Children's Hospital of Eastern Ontario
Classification: Likely benign for Cardiomyopathy. Last evaluated: 2022-05-09. Review status: criteria provided, single submitter. Criteria: ACMG Guidelines, 2015. Collection method: clinical testing. Allele origin: germline.

NM_001267550.2(TTN):c.11327T>C (p.Phe3776Ser)

Gene: TTN (titin; minus strand). Cytogenetic location: 2q31.2.
Variant type: single nucleotide variant.
Coding change: c.11327T>C on transcript NM_001267550.2 (MANE Select); coding-DNA position 11327, T replaced by C.
Protein change: p.Phe3776Ser; replaces phenylalanine 3776 with serine.
Molecular consequence: missense variant. On other transcripts: intron variant (1).
Genome position (GRCh38, 1-based): chr2:178,741,906, A>G on the plus strand (T>C on the coding strand, the complement: TTN is on the minus strand). VCF-style: chr2-178741906-A-G. GRCh37 (hg19) VCF-style: chr2-179606633-A-G.
Other names: c.10376T>C, p.Phe3459Ser (NM_001256850.1); c.10238T>C, p.Phe3413Ser (NM_003319.4); c.10613T>C, p.Phe3538Ser (NM_133432.3); c.10814T>C, p.Phe3605Ser (NM_133437.4); c.10361-3546T>C (NM_133378.4); short protein forms F3459S, F3605S, F3538S, F3776S, F3413S.
Identifiers: ClinVar variation 915752 (VCV000915752.4), dbSNP rs774659393, ClinGen allele CA2002870.
Genomic context (GRCh38, chr2:178,741,906, plus strand): 5'-TCATTTATTTTAGATAATTGAAGTTCGGCGCTATGAAGTCCTTCTTCCTCGGCAGACAGA[A>G]AAGAACTAGAAAACTCTGTATGGGGAAAAATGATTATTATTTTACTATAAAATTTTATTT-3'
Protein context (NP_001254479.2, residues 3766-3786): EMEMKEFSSS[Phe3776Ser]LSAEEEGLHS